The following is an entry in ClinVar:

NM_004656.4(BAP1):c.706dup (p.Asp236fs)

Gene: BAP1 (BRCA1 associated deubiquitinase 1; minus strand). Cytogenetic location: 3p21.1.
Variant type: Duplication.
Coding change: c.706dup on transcript NM_004656.4 (MANE Select); coding-DNA position 706, one base duplicated (G; older notation c.706dupG).
Protein change: p.Asp236fs; shifts the reading frame from aspartic acid 236.
Molecular consequence: frameshift variant.
Genome position (GRCh38, 1-based): chr3:52,406,330, C duplicated on the plus strand (G on the coding strand, the reverse complement: BAP1 is on the minus strand). VCF-style (leftmost placement, unchanged base first): chr3-52406329-T-TC. GRCh37 (hg19) VCF-style: chr3-52440345-T-TC.
Other names: short protein forms D236fs.
Identifiers: ClinVar variation 651690 (VCV000651690.6), dbSNP rs1578225176, ClinGen allele CA915942498.
Genomic context (GRCh38, chr3:52,406,329, plus strand): 5'-AGTACTGTCTGACGGTTCACCTTCAGCACATGCAGCCTGGCCTCATACTTGATCCTGCGG[T>TC]CGGGCACCACTGCCATCAGGTTGAAGCGGATGTCGTGGTAGGGCTCCCTGCAGTCACAGC-3'

ClinVar aggregate classification (germline): Pathogenic (1 of 4 stars; one submission).

Conditions:
BAP1-related tumor predisposition syndrome (TPDS1). Also called: Tumor susceptibility linked to germline BAP1 mutations; BAP1 tumor predisposition syndrome; COMMON Syndrome; TUMOR PREDISPOSITION SYNDROME 1. Identifiers: Orphanet 289539, MedGen C3280492, MONDO:0013692, OMIM 614327.

Submission:

Labcorp Genetics (formerly Invitae), Labcorp
Classification: Pathogenic for BAP1-related tumor predisposition syndrome. Last evaluated: 2018-10-17. Review status: criteria provided, single submitter. Criteria: Invitae Variant Classification Sherloc (09022015). Collection method: clinical testing. Allele origin: germline.
Comment: For these reasons, this variant has been classified as Pathogenic. Loss-of-function variants in BAP1 are known to be pathogenic (PMID: 21874000, 23684012). This variant has been observed in a family affected with cutaneous and uveal melanoma (PMID: 22545102). This variant is not present in population databases (ExAC no frequency). This sequence change creates a premature translational stop signal (p.Asp236Glyfs*7) in the BAP1 gene. It is expected to result in an absent or disrupted protein product.

Literature cited by the submitters: PubMed 21874000; PubMed 23684012; PubMed 22545102.